The following is an entry in ClinVar:

NM_004172.5(SLC1A3):c.542A>G (p.Asn181Ser)

Genes: SLC1A3-AS1 (SLC1A3 antisense RNA 1; minus strand), SLC1A3 (solute carrier family 1 member 3; plus strand). Cytogenetic location: 5p13.2.
Variant type: single nucleotide variant.
Coding change: c.542A>G on transcript NM_004172.5 (MANE Select); coding-DNA position 542, A replaced by G.
Protein change: p.Asn181Ser; replaces asparagine 181 with serine.
Molecular consequence: missense variant. On other transcripts: intron variant (1).
Genome position (GRCh38, 1-based): chr5:36,674,066, A>G. VCF-style: chr5-36674066-A-G. GRCh37 (hg19) VCF-style: chr5-36674168-A-G.
Other names: c.524+2833A>G (NM_001289940.2); c.542A>G, p.Asn181Ser (NM_001166695.3); c.404A>G, p.Asn135Ser (NM_001289939.2); short protein forms N135S, N181S.
Identifiers: ClinVar variation 1679170 (VCV001679170.1), dbSNP rs768557336, ClinGen allele CA3235480.

ClinVar aggregate classification (germline): Uncertain significance (1 of 4 stars; one submission).

Conditions:
Episodic ataxia type 6. Identifiers: Orphanet 209967, MedGen C2675211, MONDO:0012982, OMIM 612656.

Allele frequency attached by ClinVar (database versions not stated): gnomAD exomes below 0.00001; ExAC 0.00001.
gnomAD v4.1: 1 of 1,613,450 alleles (0.000062%); highest among the groups gnomAD compares: South Asian, 0.0011%; no homozygotes.

Submission:

Institute of Human Genetics, University of Leipzig Medical Center
Classification: Uncertain significance for Episodic ataxia type 6. Last evaluated: 2022-04-12. Review status: criteria provided, single submitter. Criteria: ACMG Guidelines, 2015. Collection method: clinical testing. Allele origin: unknown. Affected: yes.
Comment: _x000D_ Criteria applied: PM2, PP3